The following is an entry in ClinVar:

NM_003482.4(KMT2D):c.1295C>T (p.Ala432Val)

Gene: KMT2D (lysine methyltransferase 2D; minus strand). Cytogenetic location: 12q13.12.
Variant type: single nucleotide variant.
Coding change: c.1295C>T on transcript NM_003482.4 (MANE Select); coding-DNA position 1295, C replaced by T.
Protein change: p.Ala432Val; replaces alanine 432 with valine.
Molecular consequence: missense variant.
Genome position (GRCh38, 1-based): chr12:49,052,388, G>A on the plus strand (C>T on the coding strand, the complement: KMT2D is on the minus strand). VCF-style: chr12-49052388-G-A. GRCh37 (hg19) VCF-style: chr12-49446171-G-A.
Other names: short protein forms A432V.
Identifiers: ClinVar variation 2873975 (VCV002873975.6), dbSNP rs375363526, ClinGen allele CA6548517.

ClinVar aggregate classification (germline): Conflicting classifications of pathogenicity. Review status: criteria provided, conflicting classifications (1 of 4 stars). 4 submissions from 4 submitters: Uncertain significance (2); Benign (1). 1 of the submissions does not count toward it. Last evaluated 2025-04-17.

Conditions:
Kabuki syndrome. Also called: NIIKAWA-KUROKI SYNDROME; Kabuki make-up syndrome. Identifiers: Orphanet 2322, MedGen C0796004, MONDO:0016512.
Kabuki syndrome 1 (KABUK1). Also called: KMT2D-Related Kabuki Syndrome. Identifiers: Orphanet 2322, MedGen CN030661, MONDO:0007843, OMIM 147920.
Choanal atresia-athelia-hypothyroidism-delayed puberty-short stature syndrome (BCAHH). Also called: BRANCHIAL ARCH ABNORMALITIES, CHOANAL ATRESIA, ATHELIA, HEARING LOSS, AND HYPOTHYROIDISM SYNDROME. Identifiers: Orphanet 589856, MedGen C5680310, MONDO:0035651, OMIM 620186.
KMT2D-related disorder. Also called: KMT2D-Related Disorders.

Allele frequency attached by ClinVar (database versions not stated): gnomAD exomes 0.00001; ESP Exome Variant Server 0.00008; 1000 Genomes Project 30x 0.00016.
gnomAD v4.1: 23 of 1,541,068 alleles (0.0015%); highest among the groups gnomAD compares: East Asian, 0.0023%; no homozygotes.

Submissions (4):

Labcorp Genetics (formerly Invitae), Labcorp
Classification: Benign for Kabuki syndrome. Last evaluated: 2025-04-17. Review status: criteria provided, single submitter. Criteria: Invitae Variant Classification Sherloc (09022015). Collection method: clinical testing. Allele origin: germline.

GeneDx
Classification: Uncertain significance. Last evaluated: 2023-07-07. Review status: criteria provided, single submitter. Criteria: GeneDx Variant Classification Process June 2021. Collection method: clinical testing. Allele origin: germline. Affected: yes.
Comment: In silico analysis supports that this missense variant does not alter protein structure/function; Has not been previously published as pathogenic or benign to our knowledge

Department of Pathology and Laboratory Medicine, Sinai Health System
Classification: Uncertain significance for Kabuki syndrome 1; Choanal atresia-athelia-hypothyroidism-delayed puberty-short stature syndrome. Last evaluated: 2021-07-30. Review status: criteria provided, single submitter. Criteria: ACMG Guidelines, 2015. Collection method: research. Allele origin: germline.

PreventionGenetics, part of Exact Sciences
Classification: Likely benign for KMT2D-related condition. Last evaluated: 2024-09-27. Review status: no assertion criteria provided. Collection method: clinical testing. Allele origin: germline. Not counted in ClinVar's aggregate classification.
Comment: This variant is classified as likely benign based on ACMG/AMP sequence variant interpretation guidelines (Richards et al. 2015 PMID: 25741868, with internal and published modifications).